The following is an entry in ClinVar:

NM_020937.4(FANCM):c.4384A>G (p.Arg1462Gly)

Gene: FANCM (FA complementation group M; plus strand). Cytogenetic location: 14q21.2.
Variant type: single nucleotide variant.
Coding change: c.4384A>G on transcript NM_020937.4 (MANE Select); coding-DNA position 4384, A replaced by G.
Protein change: p.Arg1462Gly; replaces arginine 1462 with glycine.
Molecular consequence: missense variant.
Genome position (GRCh38, 1-based): chr14:45,181,703, A>G. VCF-style: chr14-45181703-A-G. GRCh37 (hg19) VCF-style: chr14-45650906-A-G.
Other names: c.4306A>G, p.Arg1436Gly (NM_001308133.2); short protein forms R1462G, R1436G.
Identifiers: ClinVar variation 5021528 (VCV005021528.1).

ClinVar aggregate classification (germline): Uncertain significance (1 of 4 stars; one submission).

Conditions:
Inborn genetic diseases. Identifiers: MedGen C0950123, MeSH D030342.

Submission:

Ambry Genetics
Classification: Uncertain significance for Inborn genetic diseases. Last evaluated: 2026-08-30. Review status: criteria provided, single submitter. Criteria: Ambry Variant Classification Scheme 2023. Collection method: clinical testing. Allele origin: germline.
Comment: The p.R1462G variant (also known as c.4384A>G), located in coding exon 16 of the FANCM gene, results from an A to G substitution at nucleotide position 4384. The arginine at codon 1462 is replaced by glycine, an amino acid with dissimilar properties. This amino acid position is conserved. In addition, this alteration is predicted to be tolerated by in silico analysis. Based on the available evidence, the clinical significance of this variant remains unclear.